The following is an entry in ClinVar:

NM_005708.5(GPC6):c.1564C>T (p.Pro522Ser)

Gene: GPC6 (glypican 6; plus strand). Cytogenetic location: 13q32.1.
Variant type: single nucleotide variant.
Coding change: c.1564C>T on transcript NM_005708.5 (MANE Select); coding-DNA position 1564, C replaced by T.
Protein change: p.Pro522Ser; replaces proline 522 with serine.
Molecular consequence: missense variant.
Genome position (GRCh38, 1-based): chr13:94,403,113, C>T. VCF-style: chr13-94403113-C-T. GRCh37 (hg19) VCF-style: chr13-95055367-C-T.
Other names: short protein forms P522S.
Identifiers: ClinVar variation 1898538 (VCV001898538.3), dbSNP rs753768117, ClinGen allele CA7017219.
Genomic context (GRCh38, chr13:94,403,113, plus strand): 5'-ATGGATGACGTGTGTCCCACGGAGTTTGAGTTTGTCACCACAGAGGCCCCCGCAGTGGAT[C>T]CCGACCGGAGAGAGGTGGACTCTTCTGCAGCCCAGCGTGGCCACTCCCTGCTCTCCTGGT-3'
Protein context (NP_005699.1, residues 512-532): FVTTEAPAVD[Pro522Ser]DRREVDSSAA

ClinVar aggregate classification (germline): Uncertain significance (1 of 4 stars; one submission).

Allele frequency attached by ClinVar (database versions not stated): gnomAD 0.00001; gnomAD exomes 0.00002; ExAC 0.00003; TOPMed 0.00004.
gnomAD v4.1: 26 of 1,613,498 alleles (0.0016%); highest among the groups gnomAD compares: Admixed American, 0.017%; no homozygotes.

Submission:

Labcorp Genetics (formerly Invitae), Labcorp
Classification: Uncertain significance. Last evaluated: 2022-07-14. Review status: criteria provided, single submitter. Criteria: Invitae Variant Classification Sherloc (09022015). Collection method: clinical testing. Allele origin: germline.
Comment: In summary, the available evidence is currently insufficient to determine the role of this variant in disease. Therefore, it has been classified as a Variant of Uncertain Significance. Algorithms developed to predict the effect of missense changes on protein structure and function output the following: SIFT: "Tolerated"; PolyPhen-2: "Benign"; Align-GVGD: "Class C0". The serine amino acid residue is found in multiple mammalian species, which suggests that this missense change does not adversely affect protein function. This variant has not been reported in the literature in individuals affected with GPC6-related conditions. This variant is present in population databases (rs753768117, gnomAD 0.01%). This sequence change replaces proline, which is neutral and non-polar, with serine, which is neutral and polar, at codon 522 of the GPC6 protein (p.Pro522Ser).